The following is an entry in ClinVar:

NM_014679.5(CEP57):c.707C>A (p.Thr236Asn)

Gene: CEP57 (centrosomal protein 57; plus strand). Cytogenetic location: 11q21.
Variant type: single nucleotide variant.
Coding change: c.707C>A on transcript NM_014679.5 (MANE Select); coding-DNA position 707, C replaced by A.
Protein change: p.Thr236Asn; replaces threonine 236 with asparagine.
Molecular consequence: missense variant.
Genome position (GRCh38, 1-based): chr11:95,821,878, C>A. VCF-style: chr11-95821878-C-A. GRCh37 (hg19) VCF-style: chr11-95555042-C-A.
Other names: c.680C>A, p.Thr227Asn (NM_001243776.2); c.707C>A, p.Thr236Asn (NM_001243777.2); c.626C>A, p.Thr209Asn (NM_001363604.2); short protein forms T227N, T209N, T236N.
Identifiers: ClinVar variation 2095966 (VCV002095966.7), dbSNP rs762912636, ClinGen allele CA6239576.

ClinVar aggregate classification (germline): Uncertain significance. Review status: criteria provided, multiple submitters, no conflicts (2 of 4 stars). 2 submissions from 2 submitters: Uncertain significance (2). Last evaluated 2025-03-18.

Conditions:
Mosaic variegated aneuploidy syndrome 2 (MVA2). Identifiers: Orphanet 1052, MedGen C3279843, MONDO:0013582, OMIM 614114.
Inborn genetic diseases. Identifiers: MedGen C0950123, MeSH D030342.

Allele frequency attached by ClinVar (database versions not stated): gnomAD exomes 0.00001; TOPMed 0.00002; ExAC 0.00003.

Submissions (2):

Ambry Genetics
Classification: Uncertain significance for Inborn genetic diseases. Last evaluated: 2025-03-18. Review status: criteria provided, single submitter. Criteria: Ambry Variant Classification Scheme 2023. Collection method: clinical testing. Allele origin: germline.

Labcorp Genetics (formerly Invitae), Labcorp
Classification: Uncertain significance for Mosaic variegated aneuploidy syndrome 2. Last evaluated: 2025-02-04. Review status: criteria provided, single submitter. Criteria: Invitae Variant Classification Sherloc (09022015). Collection method: clinical testing. Allele origin: germline.
Comment: This sequence change replaces threonine, which is neutral and polar, with asparagine, which is neutral and polar, at codon 236 of the CEP57 protein (p.Thr236Asn). This variant is present in population databases (rs762912636, gnomAD 0.006%). This variant has not been reported in the literature in individuals affected with CEP57-related conditions. ClinVar contains an entry for this variant (Variation ID: 2095966). Invitae Evidence Modeling of protein sequence and biophysical properties (such as structural, functional, and spatial information, amino acid conservation, physicochemical variation, residue mobility, and thermodynamic stability) indicates that this missense variant is not expected to disrupt CEP57 protein function with a negative predictive value of 80%. In summary, the available evidence is currently insufficient to determine the role of this variant in disease. Therefore, it has been classified as a Variant of Uncertain Significance.